The following is an entry in ClinVar:

ClinVar aggregate classification (germline): Uncertain significance (1 of 4 stars; one submission).

Submission:

Labcorp Genetics (formerly Invitae), Labcorp
Classification: Uncertain significance. Last evaluated: 2022-10-25. Review status: criteria provided, single submitter. Criteria: Invitae Variant Classification Sherloc (09022015). Collection method: clinical testing. Allele origin: germline.
Comment: Advanced modeling of protein sequence and biophysical properties (such as structural, functional, and spatial information, amino acid conservation, physicochemical variation, residue mobility, and thermodynamic stability) performed at Invitae indicates that this missense variant is not expected to disrupt PNPT1 protein function. In summary, the available evidence is currently insufficient to determine the role of this variant in disease. Therefore, it has been classified as a Variant of Uncertain Significance. This variant has not been reported in the literature in individuals affected with PNPT1-related conditions. This sequence change replaces serine, which is neutral and polar, with alanine, which is neutral and non-polar, at codon 180 of the PNPT1 protein (p.Ser180Ala). This variant is not present in population databases (gnomAD no frequency).

NM_033109.5(PNPT1):c.538T>G (p.Ser180Ala)

Gene: PNPT1 (polyribonucleotide nucleotidyltransferase 1; minus strand). Cytogenetic location: 2p16.1.
Variant type: single nucleotide variant.
Coding change: c.538T>G on transcript NM_033109.5 (MANE Select); coding-DNA position 538, T replaced by G.
Protein change: p.Ser180Ala; replaces serine 180 with alanine.
Molecular consequence: missense variant.
Genome position (GRCh38, 1-based): chr2:55,680,739, A>C on the plus strand (T>G on the coding strand, the complement: PNPT1 is on the minus strand). VCF-style: chr2-55680739-A-C. GRCh37 (hg19) VCF-style: chr2-55907874-A-C.
Other names: short protein forms S180A.
Identifiers: ClinVar variation 2002734 (VCV002002734.4), dbSNP rs2529603145, ClinGen allele CA346938791.